The following is an entry in ClinVar:

ClinVar aggregate classification (germline): Pathogenic/Likely pathogenic. Review status: criteria provided, multiple submitters, no conflicts (2 of 4 stars). 4 submissions from 4 submitters: Pathogenic (3); Likely pathogenic (1). Last evaluated 2026-08-07.

Conditions:
Hereditary cancer-predisposing syndrome. Also called: Neoplastic Syndromes, Hereditary; Hereditary neoplastic syndrome; Hereditary Cancer Syndrome; Tumor predisposition. Identifiers: Orphanet 140162, MedGen C0027672, MeSH D009386, MONDO:0015356.
Hereditary breast ovarian cancer syndrome. Also called: Hereditary breast and/or ovarian cancer syndrome; BRCA1- and BRCA2-Associated Hereditary Breast and Ovarian Cancer; Hereditary breast and ovarian cancer syndrome; Breast and ovarian cancer; Hereditary breast and ovarian cancer; Hereditary breast and ovarian cancer syndrome (HBOC). Identifiers: Orphanet 145, MedGen C0677776, MeSH D061325, MONDO:0003582. Disease mechanism: loss of function.
Familial cancer of breast. Also called: hereditary breast carcinoma; Hereditary breast cancer; BREAST CANCER, FAMILIAL. Identifiers: Orphanet 227535, MedGen C0346153, MONDO:0016419, OMIM 114480. Disease mechanism: loss of function.

Submissions (4):

Ambry Genetics
Classification: Pathogenic for Hereditary cancer-predisposing syndrome. Last evaluated: 2026-08-07. Review status: criteria provided, single submitter. Criteria: Ambry Variant Classification Scheme 2023. Collection method: clinical testing. Allele origin: germline.
Comment: The c.801_802dupTA pathogenic mutation, located in coding exon 4 of the PALB2 gene, results from a duplication of TA at nucleotide position 801, causing a translational frameshift with a predicted alternate stop codon (p.K268Ifs*12). This variant is considered to be rare based on population cohorts in the Genome Aggregation Database (gnomAD). This alteration is expected to result in loss of function by premature protein truncation or nonsense-mediated mRNA decay. As such, this alteration is interpreted as a disease-causing mutation.

Labcorp Genetics (formerly Invitae), Labcorp
Classification: Pathogenic for Familial cancer of breast. Last evaluated: 2025-06-30. Review status: criteria provided, single submitter. Criteria: Invitae Variant Classification Sherloc (09022015). Collection method: clinical testing. Allele origin: germline.
Comment: This sequence change creates a premature translational stop signal (p.Lys268Ilefs*12) in the PALB2 gene. It is expected to result in an absent or disrupted protein product. Loss-of-function variants in PALB2 are known to be pathogenic (PMID: 17200668, 17200671, 17200672, 24136930, 25099575). This variant is not present in population databases (gnomAD no frequency). This variant has not been reported in the literature in individuals affected with PALB2-related conditions. ClinVar contains an entry for this variant (Variation ID: 461023). For these reasons, this variant has been classified as Pathogenic.

Myriad Genetics, Inc.
Classification: Pathogenic for Familial cancer of breast. Last evaluated: 2023-09-07. Review status: criteria provided, single submitter. Criteria: Myriad Autosomal Dominant, Autosomal Recessive and X-Linked Classification Criteria (2023). Collection method: clinical testing. Allele origin: unknown.
Comment: This variant is considered pathogenic. This variant creates a frameshift predicted to result in premature protein truncation.

Women's Health and Genetics/Laboratory Corporation of America, LabCorp
Classification: Likely pathogenic for Hereditary breast ovarian cancer syndrome. Last evaluated: 2017-06-09. Review status: criteria provided, single submitter. Criteria: LabCorp Variant Classification Summary - May 2015. Collection method: clinical testing. Allele origin: germline.
Comment: Variant summary: The c.801_802dupTA (p. Lys268Argfs) variant in PALB2 gene is a frameshift change that is predicted to cause loss of normal protein function through protein truncation or nonsense-mediated mRNA decay. The variant is located within exon 4, which appears to be the most common fragment accounting for PALB2 mutations associated with BrC. The variant is absent from the large control population datasets of ExAC and gnomAD. Although c.801_802dupTA has not been reported in affected individuals or cited by reputable databases/clinical laboratories, mutations downstream (1050_1051delinsTCT, c.1285_1286delinsTC) have been reported as Pathogenic. . Taken together, the variant was classified as Likely Pathogenic.

Literature cited by the submitters: PubMed 17200668 (cited by Labcorp Genetics (formerly Invitae), Labcorp); PubMed 17200671 (cited by Labcorp Genetics (formerly Invitae), Labcorp); PubMed 17200672 (cited by Labcorp Genetics (formerly Invitae), Labcorp); PubMed 24136930 (cited by Labcorp Genetics (formerly Invitae), Labcorp); PubMed 25099575 (cited by Labcorp Genetics (formerly Invitae), Labcorp).

NM_024675.4(PALB2):c.801_802dup (p.Lys268fs)

Gene: PALB2 (partner and localizer of BRCA2; minus strand). Cytogenetic location: 16p12.2.
Variant type: Duplication.
Coding change: c.801_802dup on transcript NM_024675.4 (MANE Select); coding-DNA positions 801 to 802, 2 bases duplicated (TA; older notation c.801_802dupTA).
Protein change: p.Lys268fs; shifts the reading frame from lysine 268.
Molecular consequence: frameshift variant.
Genome position (GRCh38, 1-based): chr16:23,635,744-23,635,745, TA duplicated on the plus strand (TA on the coding strand, the reverse complement: PALB2 is on the minus strand). VCF-style (leftmost placement, unchanged base first): chr16-23635743-T-TTA. GRCh37 (hg19) VCF-style: chr16-23647064-T-TTA.
Other names: c.801_802dupTA (NM_024675.3); short protein forms K268fs.
Identifiers: ClinVar variation 461023 (VCV000461023.10), dbSNP rs1555461618, ClinGen allele CA658658440.